The following is an entry in ClinVar:

ClinVar aggregate classification (germline): Pathogenic. Review status: criteria provided, multiple submitters, no conflicts (2 of 4 stars). 2 submissions from 2 submitters: Pathogenic (2). Last evaluated 2022-08-30.

Conditions:
Arrhythmogenic right ventricular dysplasia 10. Also called: Arrhythmogenic Right Ventricular Dysplasia/Cardiomyopathy10; ARRHYTHMOGENIC RIGHT VENTRICULAR DYSPLASIA, FAMILIAL, 10; Arrhythmogenic right ventricular dysplasia/cardiomyopathy, type 10. Identifiers: MedGen C1857777, MONDO:0012434, OMIM 610193.
Cardiovascular phenotype. Identifiers: MedGen CN230736.

Submissions (2):

Labcorp Genetics (formerly Invitae), Labcorp
Classification: Pathogenic for Arrhythmogenic right ventricular dysplasia 10. Last evaluated: 2022-08-30. Review status: criteria provided, single submitter. Criteria: Invitae Variant Classification Sherloc (09022015). Collection method: clinical testing. Allele origin: germline.
Comment: For these reasons, this variant has been classified as Pathogenic. This variant has not been reported in the literature in individuals affected with DSG2-related conditions. This variant is not present in population databases (gnomAD no frequency). This sequence change creates a premature translational stop signal (p.Phe211Serfs*3) in the DSG2 gene. It is expected to result in an absent or disrupted protein product. Loss-of-function variants in DSG2 are known to be pathogenic (PMID: 17105751, 31386562).

Ambry Genetics
Classification: Pathogenic for Cardiovascular phenotype. Last evaluated: 2019-01-17. Review status: criteria provided, single submitter. Criteria: Ambry Variant Classification Scheme 2023. Collection method: clinical testing. Allele origin: germline.
Comment: The c.630delG pathogenic mutation, located in coding exon 6 of the DSG2 gene, results from a deletion of one nucleotide at nucleotide position 630, causing a translational frameshift with a predicted alternate stop codon (p.F211Sfs*3). This alteration is expected to result in loss of function by premature protein truncation or nonsense-mediated mRNA decay. As such, this alteration is interpreted as a disease-causing mutation.

Literature cited by the submitters: PubMed 17105751 (cited by Labcorp Genetics (formerly Invitae), Labcorp); PubMed 31386562 (cited by Labcorp Genetics (formerly Invitae), Labcorp).

NM_001943.5(DSG2):c.630del (p.Phe211fs)

Gene: DSG2 (desmoglein 2; plus strand). Cytogenetic location: 18q12.1.
Variant type: Deletion.
Coding change: c.630del on transcript NM_001943.5 (MANE Select); coding-DNA position 630, one base deleted (G; older notation c.630delG).
Protein change: p.Phe211fs; shifts the reading frame from phenylalanine 211.
Molecular consequence: frameshift variant.
Genome position (GRCh38, 1-based): chr18:31,522,189, G deleted. VCF-style (leftmost placement, unchanged base first): chr18-31522188-TG-T. GRCh37 (hg19) VCF-style: chr18-29102151-TG-T.
Other names: short protein forms F211fs.
Identifiers: ClinVar variation 1752786 (VCV001752786.7), dbSNP rs2510911656, ClinGen allele CA2580095606.